The following is an entry in ClinVar:

ClinVar aggregate classification (germline): Uncertain significance (1 of 4 stars; one submission).

Allele frequency attached by ClinVar (database versions not stated): gnomAD exomes below 0.00001 and 0.00001; ExAC 0.00001.
gnomAD v4.1: 10 of 1,612,810 alleles (0.00062%); highest among the groups gnomAD compares: African/African-American, 0.0053%; no homozygotes.

Submission:

Labcorp Genetics (formerly Invitae), Labcorp
Classification: Uncertain significance. Last evaluated: 2022-06-27. Review status: criteria provided, single submitter. Criteria: Invitae Variant Classification Sherloc (09022015). Collection method: clinical testing. Allele origin: germline.
Comment: This sequence change replaces aspartic acid, which is acidic and polar, with asparagine, which is neutral and polar, at codon 983 of the SKIV2L protein (p.Asp983Asn). This variant is present in population databases (rs773729244, gnomAD 0.01%). This variant has not been reported in the literature in individuals affected with SKIV2L-related conditions. Algorithms developed to predict the effect of missense changes on protein structure and function are either unavailable or do not agree on the potential impact of this missense change (SIFT: "Tolerated"; PolyPhen-2: "Probably Damaging"; Align-GVGD: "Class C0"). In summary, the available evidence is currently insufficient to determine the role of this variant in disease. Therefore, it has been classified as a Variant of Uncertain Significance.

NM_006929.5(SKIC2):c.2947G>A (p.Asp983Asn)

Gene: SKIC2 (SKI2 subunit of superkiller complex; plus strand). Cytogenetic location: 6p21.33.
Variant type: single nucleotide variant.
Coding change: c.2947G>A on transcript NM_006929.5 (MANE Select); coding-DNA position 2947, G replaced by A.
Protein change: p.Asp983Asn; replaces aspartic acid 983 with asparagine.
Molecular consequence: missense variant.
Genome position (GRCh38, 1-based): chr6:31,968,416, G>A. VCF-style: chr6-31968416-G-A. GRCh37 (hg19) VCF-style: chr6-31936193-G-A.
Other names: short protein forms D983N.
Identifiers: ClinVar variation 1443431 (VCV001443431.3), dbSNP rs773729244, ClinGen allele CA3729918.